The following is an entry in ClinVar:

ClinVar aggregate classification (germline): Uncertain significance (1 of 4 stars; one submission).

Conditions:
Primary ciliary dyskinesia. Also called: Ciliary dyskinesia. Identifiers: Orphanet 244, MedGen C0008780, MONDO:0016575, HP:0012265.

Submission:

Labcorp Genetics (formerly Invitae), Labcorp
Classification: Uncertain significance for Primary ciliary dyskinesia. Last evaluated: 2018-06-09. Review status: criteria provided, single submitter. Criteria: Invitae Variant Classification Sherloc (09022015). Collection method: clinical testing. Allele origin: germline.
Comment: This variant has not been reported in the literature in individuals with DNAAF5-related disease. In summary, the available evidence is currently insufficient to determine the role of this variant in disease. Therefore, it has been classified as a Variant of Uncertain Significance. Algorithms developed to predict the effect of missense changes on protein structure and function (SIFT, PolyPhen-2, Align-GVGD) all suggest that this variant is likely to be tolerated, but these predictions have not been confirmed by published functional studies and their clinical significance is uncertain. While this variant is not present in population databases, the frequency information is unreliable, as metrics indicate poor data quality at this position in the ExAC database. This sequence change replaces alanine with threonine at codon 180 of the DNAAF5 protein (p.Ala180Thr). The alanine residue is moderately conserved and there is a small physicochemical difference between alanine and threonine.

NM_017802.4(DNAAF5):c.538G>A (p.Ala180Thr)

Genes: PRKAR1B (protein kinase cAMP-dependent type I regulatory subunit beta; minus strand), DNAAF5 (dynein axonemal assembly factor 5; plus strand), LOC129997731 (ATAC-STARR-seq lymphoblastoid silent region 17817; plus strand). Cytogenetic location: 7p22.3.
Variant type: single nucleotide variant.
Coding change: c.538G>A on transcript NM_017802.4 (MANE Select); coding-DNA position 538, G replaced by A.
Protein change: p.Ala180Thr; replaces alanine 180 with threonine.
Molecular consequence: missense variant. On other transcripts: non-coding transcript variant (1), 5 prime UTR variant (1), intron variant (2).
Genome position (GRCh38, 1-based): chr7:727,258, G>A. VCF-style: chr7-727258-G-A. GRCh37 (hg19) VCF-style: chr7-766895-G-A.
Other names: c.-71C>T (NM_001164760.2); c.-23+397C>T (NM_001164759.1); c.-23+332C>T (NM_001164758.2); short protein forms A180T.
Identifiers: ClinVar variation 569808 (VCV000569808.9), dbSNP rs1562369767, ClinGen allele CA366530988.